The following is an entry in ClinVar:

NM_003640.5(ELP1):c.2066G>A (p.Arg689Gln)

Gene: ELP1 (elongator acetyltransferase complex subunit 1; minus strand). Cytogenetic location: 9q31.3.
Variant type: single nucleotide variant.
Coding change: c.2066G>A on transcript NM_003640.5 (MANE Select); coding-DNA position 2066, G replaced by A.
Protein change: p.Arg689Gln; replaces arginine 689 with glutamine.
Molecular consequence: missense variant.
Genome position (GRCh38, 1-based): chr9:108,900,324, C>T on the plus strand (G>A on the coding strand, the complement: ELP1 is on the minus strand). VCF-style: chr9-108900324-C-T. GRCh37 (hg19) VCF-style: chr9-111662604-C-T.
Other names: c.1724G>A, p.Arg575Gln (NM_001318360.2); c.1019G>A, p.Arg340Gln (NM_001330749.2); c.2066G>A (NM_003640.4); short protein forms R340Q, R575Q, R689Q.
Identifiers: ClinVar variation 1800384 (VCV001800384.7), dbSNP rs201742754, ClinGen allele CA5174786.

ClinVar aggregate classification (germline): Uncertain significance. Review status: criteria provided, multiple submitters, no conflicts (2 of 4 stars). 4 submissions from 4 submitters: Uncertain significance (4). Last evaluated 2024-03-13.

Conditions:
Familial dysautonomia. Also called: FD; HSAN III. Identifiers: Orphanet 1764, MedGen C0013364, MONDO:0009131, OMIM 223900. Disease mechanism: loss of function.
Medulloblastoma (MDB). Also called: MEDULLOBLASTOMA PREDISPOSITION SYNDROME; Medulloblastoma, somatic. Identifiers: Orphanet 616, MedGen C0025149, MeSH D008527, MONDO:0007959, OMIM 155255, HP:0002885.

Allele frequency attached by ClinVar (database versions not stated): gnomAD 0.00004; TOPMed 0.00005; ExAC 0.00007.
gnomAD v4.1: 55 of 1,614,072 alleles (0.0034%); highest among the groups gnomAD compares: Admixed American, 0.005%; no homozygotes.

Submissions (4):

Fulgent Genetics
Classification: Uncertain significance for Medulloblastoma; Familial dysautonomia. Last evaluated: 2024-03-13. Review status: criteria provided, single submitter. Criteria: ACMG Guidelines, 2015. Collection method: clinical testing. Allele origin: germline.

Women's Health and Genetics/Laboratory Corporation of America, LabCorp
Classification: Uncertain significance. Last evaluated: 2023-12-07. Review status: criteria provided, single submitter. Criteria: LabCorp Variant Classification Summary - May 2015. Collection method: clinical testing. Allele origin: germline.
Comment: Variant summary: ELP1 c.2066G>A (p.Arg689Gln) results in a conservative amino acid change in the encoded protein sequence. Four of five in-silico tools predict a damaging effect of the variant on protein function. The variant was absent in 251402 control chromosomes (gnomAD). The available data on variant occurrences in the general population are insufficient to allow any conclusion about variant significance. c.2066G>A has been reported in the literature in at least one individual affected with peripheral neuropathy (Antoniadi_2015). This report does not provide unequivocal conclusions about association of the variant with Familial Dysautonomia. To our knowledge, no experimental evidence demonstrating an impact on protein function has been reported. The following publication has been ascertained in the context of this evaluation (PMID: 26392352). Two submitters have cited clinical-significance assessments for this variant to ClinVar after 2014. Both submitters classified the variant as uncertain significance. Based on the evidence outlined above, the variant was classified as uncertain significance.

Labcorp Genetics (formerly Invitae), Labcorp
Classification: Uncertain significance. Last evaluated: 2022-08-15. Review status: criteria provided, single submitter. Criteria: Invitae Variant Classification Sherloc (09022015). Collection method: clinical testing. Allele origin: germline.
Comment: This sequence change replaces arginine, which is basic and polar, with glutamine, which is neutral and polar, at codon 689 of the ELP1 protein (p.Arg689Gln). This variant is present in population databases (rs201742754, gnomAD 0.009%). This missense change has been observed in individual(s) with clinical features of hereditary motor neuropathy (PMID: 26392352). Algorithms developed to predict the effect of missense changes on protein structure and function (SIFT, PolyPhen-2, Align-GVGD) all suggest that this variant is likely to be disruptive. In summary, the available evidence is currently insufficient to determine the role of this variant in disease. Therefore, it has been classified as a Variant of Uncertain Significance.

Ambry Genetics
Classification: Uncertain significance. Last evaluated: 2019-09-20. Review status: criteria provided, single submitter. Criteria: Ambry Variant Classification Scheme 2023. Collection method: clinical testing. Allele origin: germline.
Comment: The p.R689Q variant (also known as c.2066G>A), located in coding exon 18 of the IKBKAP gene, results from a G to A substitution at nucleotide position 2066. The arginine at codon 689 is replaced by glutamine, an amino acid with highly similar properties. This variant was reported in an individual with hereditary sensory neuropathy, however it is not clear whether or not a second allele was identified in trans in this patient (Antoniadi T et al. BMC Med. Genet., 2015 Sep;16:84). This amino acid position is highly conserved in available vertebrate species. In addition, this alteration is predicted to be deleterious by in silico analysis. Since supporting evidence is limited at this time, the clinical significance of this alteration remains unclear.

Literature cited by the submitters: PubMed 26392352 (cited by 3 submitters).